The following is an entry in ClinVar:

NM_001127222.2(CACNA1A):c.301G>A (p.Glu101Lys)

Gene: CACNA1A (calcium voltage-gated channel subunit alpha1 A; minus strand). Cytogenetic location: 19p13.13.
Variant type: single nucleotide variant.
Coding change: c.301G>A on transcript NM_001127222.2 (MANE Select); coding-DNA position 301, G replaced by A.
Protein change: p.Glu101Lys; replaces glutamic acid 101 with lysine.
Molecular consequence: missense variant.
Genome position (GRCh38, 1-based): chr19:13,455,205, C>T on the plus strand (G>A on the coding strand, the complement: CACNA1A is on the minus strand). VCF-style: chr19-13455205-C-T. GRCh37 (hg19) VCF-style: chr19-13566019-C-T.
Other names: c.301G>A, p.Glu101Lys (NM_000068.4, NM_001127221.2, NM_001174080.2 and 1 more transcripts); short protein forms E101K.
Identifiers: ClinVar variation 1185925 (VCV001185925.8), dbSNP rs886037944, ClinGen allele CA404967957.

ClinVar aggregate classification (germline): Likely pathogenic. Review status: criteria provided, multiple submitters, no conflicts (2 of 4 stars). 2 submissions from 2 submitters: Likely pathogenic (2). Last evaluated 2021-09-15.

Conditions:
Episodic ataxia type 2 (EA2). Also called: ACETAZOLAMIDE-RESPONSIVE HEREDITARY PAROXYSMAL CEREBELLAR ATAXIA; EPISODIC ATAXIA, NYSTAGMUS-ASSOCIATED; ATAXIA, EPISODIC, WITH NYSTAGMUS; ATAXIA, FAMILIAL PAROXYSMAL; CEREBELLAR ATAXIA, PAROXYSMAL, ACETAZOLAMIDE-RESPONSIVE; CEREBELLOPATHY, HEREDITARY PAROXYSMAL. Identifiers: Orphanet 97, MedGen C1720416, MONDO:0007163, OMIM 108500.
Developmental and epileptic encephalopathy, 42 (DEE42A). Also called: DEVELOPMENTAL AND EPILEPTIC ENCEPHALOPATHY 42A; EPILEPTIC ENCEPHALOPATHY, EARLY INFANTILE, 42A; Epileptic encephalopathy, early infantile, 42. Identifiers: MedGen C4310716, MONDO:0014917, OMIM 617106.

Submissions (2):

Labcorp Genetics (formerly Invitae), Labcorp
Classification: Likely pathogenic for Developmental and epileptic encephalopathy, 42; Episodic ataxia type 2. Last evaluated: 2021-09-15. Review status: criteria provided, single submitter. Criteria: Invitae Variant Classification Sherloc (09022015). Collection method: clinical testing. Allele origin: germline.
Comment: This variant disrupts the p.Glu101 amino acid residue in CACNA1A. Other variant(s) that disrupt this residue have been determined to be pathogenic (PMID: 27476654, 30185235). This suggests that this residue is clinically significant, and that variants that disrupt this residue are likely to be disease-causing. This sequence change replaces glutamic acid with lysine at codon 101 of the CACNA1A protein (p.Glu101Lys). The glutamic acid residue is highly conserved and there is a small physicochemical difference between glutamic acid and lysine. This variant is not present in population databases (ExAC no frequency). This variant has not been reported in the literature in individuals affected with CACNA1A-related conditions. ClinVar contains an entry for this variant (Variation ID: 1185925). Advanced modeling of protein sequence and biophysical properties (such as structural, functional, and spatial information, amino acid conservation, physicochemical variation, residue mobility, and thermodynamic stability) performed at Invitae indicates that this missense variant is expected to disrupt CACNA1A protein function. In summary, the currently available evidence indicates that the variant is pathogenic, but additional data are needed to prove that conclusively. Therefore, this variant has been classified as Likely Pathogenic.

GeneDx
Classification: Likely pathogenic. Last evaluated: 2020-08-11. Review status: criteria provided, single submitter. Criteria: GeneDx Variant Classification Process June 2021. Collection method: clinical testing. Allele origin: germline. Affected: yes.
Comment: Has not been previously published as pathogenic or benign to our knowledge; In silico analysis, which includes protein predictors and evolutionary conservation, supports a deleterious effect; Not observed in large population cohorts (Lek et al., 2016)

Literature cited by the submitters: PubMed 27476654 (cited by Labcorp Genetics (formerly Invitae), Labcorp); PubMed 30185235 (cited by Labcorp Genetics (formerly Invitae), Labcorp).